The following is an entry in ClinVar:

NM_000883.4(IMPDH1):c.1642G>A (p.Gly548Ser)

Gene: IMPDH1 (inosine monophosphate dehydrogenase 1; minus strand). Cytogenetic location: 7q32.1.
Variant type: single nucleotide variant.
Coding change: c.1642G>A on transcript NM_000883.4 (MANE Select); coding-DNA position 1642, G replaced by A.
Protein change: p.Gly548Ser; replaces glycine 548 with serine.
Molecular consequence: missense variant.
Genome position (GRCh38, 1-based): chr7:128,394,508, C>T on the plus strand (G>A on the coding strand, the complement: IMPDH1 is on the minus strand). VCF-style: chr7-128394508-C-T. GRCh37 (hg19) VCF-style: chr7-128034562-C-T.
Other names: c.1612G>A, p.Gly538Ser (NM_001102605.2); c.1387G>A, p.Gly463Ser (NM_001142573.2); c.1372G>A, p.Gly458Ser (NM_001142574.2); c.1312G>A, p.Gly438Ser (NM_001142575.2); c.1543G>A, p.Gly515Ser (NM_001142576.2); c.1435G>A, p.Gly479Ser (NM_001304521.2); c.1534G>A, p.Gly512Ser (NM_183243.3); short protein forms G438S, G463S, G479S, G512S, G515S, G538S, G458S, G548S.
Identifiers: ClinVar variation 829898 (VCV000829898.7), dbSNP rs1312955440, ClinGen allele CA369162090.
Genomic context (GRCh38, chr7:128,394,508, plus strand): 5'-GCACTCACCGAAGGACAGACAGGCTGCGGGCCCCGATATCCTGGCAGCCGTGTTGGATGC[C>T]TGCTATGAGGTAGGGCACGAACTTCTGAATGGATCCTTTGTCCTGGATGGAGCCCGAGAC-3'
Protein context (NP_000874.2, residues 538-558): IQKFVPYLIA[Gly548Ser]IQHGCQDIGA

ClinVar aggregate classification (germline): Uncertain significance. Review status: criteria provided, multiple submitters, no conflicts (2 of 4 stars). 4 submissions from 4 submitters: Uncertain significance (3). 1 of the submissions does not count toward it. Last evaluated 2023-09-15.

Conditions:
Retinitis pigmentosa 10 (RP10). Identifiers: Orphanet 791, MedGen C1867299, MONDO:0008379, OMIM 180105.

Allele frequency attached by ClinVar (database versions not stated): gnomAD exomes below 0.00001.

Submissions (4):

Labcorp Genetics (formerly Invitae), Labcorp
Classification: Uncertain significance. Last evaluated: 2023-09-15. Review status: criteria provided, single submitter. Criteria: Invitae Variant Classification Sherloc (09022015). Collection method: clinical testing. Allele origin: germline.
Comment: Algorithms developed to predict the effect of sequence changes on RNA splicing suggest that this variant may disrupt the consensus splice site. In summary, the available evidence is currently insufficient to determine the role of this variant in disease. Therefore, it has been classified as a Variant of Uncertain Significance. An algorithm developed to predict the effect of missense changes on protein structure and function (PolyPhen-2) suggests that this variant is likely to be disruptive. ClinVar contains an entry for this variant (Variation ID: 829898). This variant has not been reported in the literature in individuals affected with IMPDH1-related conditions. This variant is present in population databases (no rsID available, gnomAD 0.0009%). This sequence change replaces glycine, which is neutral and non-polar, with serine, which is neutral and polar, at codon 548 of the IMPDH1 protein (p.Gly548Ser).

Blueprint Genetics
Classification: Uncertain significance. Last evaluated: 2022-12-26. Review status: criteria provided, single submitter. Criteria: ACMG Guidelines, 2015. Collection method: clinical testing. Allele origin: germline.

3billion
Classification: Uncertain significance for Retinitis pigmentosa 10. Last evaluated: 2022-01-03. Review status: criteria provided, single submitter. Criteria: ACMG Guidelines, 2015. Collection method: clinical testing. Allele origin: germline. Affected: yes. Observed: 1 heterozygote.
Comment: The variant observed at an extremely low frequency in the gnomAD v2.1.1 dataset (total allele frequency: 0.000004, PM2_M). In silico tool predictions suggest damaging effect of the variant on gene or gene product (REVEL: 0.864, PP3_P). A missense variant is a common mechanism associated with Retinitis pigmentosa 10 (PP2_P). Therefore, this variant is classified as uncertain significance according to the recommendation of ACMG/AMP guideline.

Bioscientia Institut fuer Medizinische Diagnostik GmbH, Sonic Healthcare
Classification: Uncertain significance for Retinitis pigmentosa 10. Last evaluated: 2019-09-12. Review status: no assertion criteria provided. Collection method: clinical testing. Allele origin: germline. Affected: yes. Not counted in ClinVar's aggregate classification.